The following is an entry in ClinVar:

NM_004463.3(FGD1):c.1360G>A (p.Gly454Arg)

Gene: FGD1 (FYVE, RhoGEF and PH domain containing 1; minus strand). Cytogenetic location: Xp11.22.
Variant type: single nucleotide variant.
Coding change: c.1360G>A on transcript NM_004463.3 (MANE Select); coding-DNA position 1360, G replaced by A.
Protein change: p.Gly454Arg; replaces glycine 454 with arginine.
Molecular consequence: missense variant.
Genome position (GRCh38, 1-based): chrX:54,465,833, C>T on the plus strand (G>A on the coding strand, the complement: FGD1 is on the minus strand). VCF-style: chrX-54465833-C-T. GRCh37 (hg19) VCF-style: chrX-54492266-C-T.
Other names: short protein forms G454R.
Identifiers: ClinVar variation 2843567 (VCV002843567.3), dbSNP rs2522709609, ClinGen allele CA413245217.

ClinVar aggregate classification (germline): Uncertain significance (1 of 4 stars; one submission).

Submission:

Labcorp Genetics (formerly Invitae), Labcorp
Classification: Uncertain significance. Last evaluated: 2023-12-22. Review status: criteria provided, single submitter. Criteria: Invitae Variant Classification Sherloc (09022015). Collection method: clinical testing. Allele origin: germline.
Comment: This sequence change replaces glycine, which is neutral and non-polar, with arginine, which is basic and polar, at codon 454 of the FGD1 protein (p.Gly454Arg). This variant is not present in population databases (gnomAD no frequency). This variant has not been reported in the literature in individuals affected with FGD1-related conditions. Advanced modeling of protein sequence and biophysical properties (such as structural, functional, and spatial information, amino acid conservation, physicochemical variation, residue mobility, and thermodynamic stability) performed at Invitae indicates that this missense variant is expected to disrupt FGD1 protein function with a positive predictive value of 80%. In summary, the available evidence is currently insufficient to determine the role of this variant in disease. Therefore, it has been classified as a Variant of Uncertain Significance.